The following is an entry in ClinVar:

ClinVar aggregate classification (germline): Uncertain significance. Review status: criteria provided, multiple submitters, no conflicts (2 of 4 stars). 2 submissions from 2 submitters: Uncertain significance (2). Last evaluated 2022-07-22.

Conditions:
Inborn genetic diseases. Identifiers: MedGen C0950123, MeSH D030342.

Allele frequency attached by ClinVar (database versions not stated): ESP Exome Variant Server 0.00008.
gnomAD v4.1: 32 of 1,605,382 alleles (0.002%); highest among the groups gnomAD compares: Middle Eastern, 0.016%; no homozygotes.

Submissions (2):

Labcorp Genetics (formerly Invitae), Labcorp
Classification: Uncertain significance. Last evaluated: 2022-07-22. Review status: criteria provided, single submitter. Criteria: Invitae Variant Classification Sherloc (09022015). Collection method: clinical testing. Allele origin: germline.
Comment: This sequence change replaces aspartic acid, which is acidic and polar, with tyrosine, which is neutral and polar, at codon 509 of the GRM6 protein (p.Asp509Tyr). This variant is present in population databases (rs372835620, gnomAD 0.004%). This variant has not been reported in the literature in individuals affected with GRM6-related conditions. Advanced modeling of protein sequence and biophysical properties (such as structural, functional, and spatial information, amino acid conservation, physicochemical variation, residue mobility, and thermodynamic stability) performed at Invitae indicates that this missense variant is not expected to disrupt GRM6 protein function. In summary, the available evidence is currently insufficient to determine the role of this variant in disease. Therefore, it has been classified as a Variant of Uncertain Significance.

Ambry Genetics
Classification: Uncertain significance for Inborn genetic diseases. Last evaluated: 2021-07-06. Review status: criteria provided, single submitter. Criteria: Ambry Variant Classification Scheme 2023. Collection method: clinical testing. Allele origin: germline.

NM_000843.4(GRM6):c.1525G>T (p.Asp509Tyr)

Genes: GRM6 (glutamate metabotropic receptor 6; minus strand), ZNF454 (zinc finger protein 454; plus strand). Cytogenetic location: 5q35.3.
Variant type: single nucleotide variant.
Coding change: c.1525G>T on transcript NM_000843.4 (MANE Select); coding-DNA position 1525, G replaced by T.
Protein change: p.Asp509Tyr; replaces aspartic acid 509 with tyrosine.
Molecular consequence: missense variant.
Genome position (GRCh38, 1-based): chr5:178,986,729, C>A on the plus strand (G>T on the coding strand, the complement: GRM6 is on the minus strand). VCF-style: chr5-178986729-C-A. GRCh37 (hg19) VCF-style: chr5-178413730-C-A.
Other names: short protein forms D509Y.
Identifiers: ClinVar variation 1923692 (VCV001923692.3), dbSNP rs372835620, ClinGen allele CA3594010.